The following is an entry in ClinVar:

ClinVar aggregate classification (germline): Benign (1 of 4 stars; one submission).

Conditions:
ANO5-Related Muscle Diseases. Identifiers: MedGen CN180644.

Allele frequency attached by ClinVar (database versions not stated): 1000 Genomes Project 30x 0.01483; gnomAD exomes 0.02425; TOPMed 0.02055; gnomAD 0.02298 and 0.02232; 1000 Genomes Project 0.01458.
gnomAD v4.1: 9,308 of 397,174 alleles (2.3%); highest among the groups gnomAD compares: Non-Finnish European, 3.2%; 163 homozygotes.

Submission:

Illumina Laboratory Services, Illumina
Classification: Benign for ANO5-Related Muscle Diseases. Last evaluated: 2018-01-13. Review status: criteria provided, single submitter. Criteria: ICSL Variant Classification Criteria 13 December 2019. Collection method: clinical testing. Allele origin: germline.
Comment: This variant was observed in the ICSL laboratory as part of a predisposition screen in an ostensibly healthy population. It had not been previously curated by ICSL or reported in the Human Gene Mutation Database (HGMD: prior to June 1st, 2018), and was therefore a candidate for classification through an automated scoring system. Utilizing variant allele frequency, disease prevalence and penetrance estimates, and inheritance mode, an automated score was calculated to assess if this variant is too frequent to cause the disease. Based on the score and internal cut-off values, a variant classified as benign is not then subjected to further curation. The score for this variant resulted in a classification of benign for this disease.

NM_213599.3(ANO5):c.*279G>A

Gene: ANO5 (anoctamin 5; plus strand). Cytogenetic location: 11p14.3.
Variant type: single nucleotide variant.
Coding change: c.*279G>A on transcript NM_213599.3 (MANE Select); 279 bases downstream of the stop codon, G replaced by A.
Molecular consequence: 3 prime UTR variant.
Genome position (GRCh38, 1-based): chr11:22,280,044, G>A. VCF-style: chr11-22280044-G-A. GRCh37 (hg19) VCF-style: chr11-22301590-G-A.
Other names: c.*279G>A (NM_001142649.2).
Identifiers: ClinVar variation 304119 (VCV000304119.6), dbSNP rs72982058, ClinGen allele CA10638795.